The following is an entry in ClinVar:

ClinVar aggregate classification (germline): Uncertain significance (1 of 4 stars; one submission).

Conditions:
Hereditary cancer-predisposing syndrome. Also called: Tumor predisposition; Hereditary Cancer Syndrome; Hereditary neoplastic syndrome; Neoplastic Syndromes, Hereditary. Identifiers: Orphanet 140162, MedGen C0027672, MeSH D009386, MONDO:0015356.

Submission:

Ambry Genetics
Classification: Uncertain significance for Hereditary cancer-predisposing syndrome. Last evaluated: 2024-04-24. Review status: criteria provided, single submitter. Criteria: Ambry Variant Classification Scheme 2023. Collection method: clinical testing. Allele origin: germline.
Comment: The p.G1108A variant (also known as c.3323G>C), located in coding exon 15 of the MET gene, results from a G to C substitution at nucleotide position 3323. The glycine at codon 1108 is replaced by alanine, an amino acid with similar properties. This amino acid position is highly conserved in available vertebrate species. In addition, this alteration is predicted to be deleterious by in silico analysis. Based on the available evidence, the clinical significance of this variant remains unclear.

NM_000245.4(MET):c.3269G>C (p.Gly1090Ala)

Gene: MET (MET proto-oncogene, receptor tyrosine kinase; plus strand). Cytogenetic location: 7q31.2.
Variant type: single nucleotide variant.
Coding change: c.3269G>C on transcript NM_000245.4 (MANE Select); coding-DNA position 3269, G replaced by C.
Protein change: p.Gly1090Ala; replaces glycine 1090 with alanine.
Molecular consequence: missense variant.
Genome position (GRCh38, 1-based): chr7:116,777,398, G>C. VCF-style: chr7-116777398-G-C. GRCh37 (hg19) VCF-style: chr7-116417452-G-C.
Other names: c.3323G>C, p.Gly1108Ala (NM_001127500.3); c.1979G>C, p.Gly660Ala (NM_001324402.2); short protein forms G1090A, G1108A, G660A.
Identifiers: ClinVar variation 3294333 (VCV003294333.1).
Genomic context (GRCh38, chr7:116,777,398, plus strand): 5'-TTTCATAATTAAATGTTACGCAGTGCTAACCAAGTTCTTTCTTTTGCACAGGGCATTTTG[G>C]TTGTGTATATCATGGGACTTTGTTGGACAATGATGGCAAGAAAATTCACTGTGCTGTGAA-3'
Protein context (NP_000236.2, residues 1080-1100): FNEVIGRGHF[Gly1090Ala]CVYHGTLLDN